The following is an entry in ClinVar:

ClinVar aggregate classification (germline): Conflicting classifications of pathogenicity. Review status: criteria provided, conflicting classifications (1 of 4 stars). 10 submissions from 9 submitters: Uncertain significance (2); Likely benign (8). Last evaluated 2026-01-20.

Conditions:
RYR1-related disorder. Also called: RYR1-related condition; RYR1-related disorders. Identifiers: MedGen CN239331.
Congenital multicore myopathy with external ophthalmoplegia (CMYO1B). Also called: Congenital myopathy 1B, autosomal recessive; Minicore myopathy; MULTICORE MYOPATHY; Minicore myopathy with external ophthalmoplegia; MULTIMINICORE DISEASE WITH EXTERNAL OPHTHALMOPLEGIA. Identifiers: Orphanet 598, Orphanet 98905, MedGen C1850674, MONDO:0009712, OMIM 255320, HP:0003789.
Malignant hyperthermia, susceptibility to, 1 (MHS1). Also called: RYR1-Related Malignant Hyperthermia Susceptibility; Anesthesia related hyperthermia; Malignant hyperpyrexia; Fulminating hyperpyrexia; Pharmacogenic myopathy; Malignant hyperthermia suceptibility 1. Identifiers: Orphanet 423, MedGen C2930980, MONDO:0007783, OMIM 145600.

Allele frequency attached by ClinVar (database versions not stated): ESP Exome Variant Server 0.00015; ExAC 0.00028; gnomAD exomes 0.00029 and 0.00055; gnomAD 0.00034; TOPMed 0.00034.
gnomAD v4.1: 866 of 1,613,862 alleles (0.054%); highest among the groups gnomAD compares: Non-Finnish European, 0.068%; 2 homozygotes.

Submissions (10):

Labcorp Genetics (formerly Invitae), Labcorp
Classification: Likely benign for RYR1-related disorder. Last evaluated: 2026-01-20. Review status: criteria provided, single submitter. Criteria: Invitae Variant Classification Sherloc (09022015). Collection method: clinical testing. Allele origin: germline.

Blueprint Genetics
Classification: Likely benign. Last evaluated: 2024-11-21. Review status: criteria provided, single submitter. Criteria: ACMG Guidelines, 2015. Collection method: clinical testing. Allele origin: germline.

Women's Health and Genetics/Laboratory Corporation of America, LabCorp
Classification: Likely benign. Last evaluated: 2024-02-02. Review status: criteria provided, single submitter. Criteria: LabCorp Variant Classification Summary - May 2015. Collection method: clinical testing. Allele origin: germline.
Comment: Variant summary: RYR1 c.10938-9C>T alters a non-conserved nucleotide located at a position not widely known to affect splicing. Consensus agreement among computation tools predict no significant impact on normal splicing. However, these predictions have yet to be confirmed by functional studies. The variant allele was found at a frequency of 0.00029 in 251356 control chromosomes. To our knowledge, no occurrence of c.10938-9C>T in individuals affected with Myopathy, RYR1-Associated and no experimental evidence demonstrating its impact on protein function have been reported. ClinVar contains an entry for this variant (Variation ID: 256397). Based on the evidence outlined above, the variant was classified as likely benign.

All of Us Research Program, National Institutes of Health
Classification: Likely benign for Malignant hyperthermia, susceptibility to, 1. Last evaluated: 2024-01-08. Review status: criteria provided, single submitter. Criteria: ACMG Guidelines, 2015. Collection method: clinical testing. Allele origin: germline. Inheritance: Autosomal dominant inheritance. Observed: 76 variant alleles, 76 heterozygotes.
Comment: This study involves interpretation of variants in research participants for the purpose of population health screening. Participant phenotype was not available at the time of variant classification. Additional details can be found in publication PMID: 35346344, PMCID: PMC8962531

ARUP Laboratories, Molecular Genetics and Genomics, ARUP Laboratories
Classification: Likely benign. Last evaluated: 2023-09-05. Review status: criteria provided, single submitter. Criteria: ARUP Molecular Germline Variant Investigation Process 2024. Collection method: clinical testing. Allele origin: germline.

Color Diagnostics, LLC DBA Color Health
Classification: Likely benign for Malignant hyperthermia, susceptibility to, 1. Last evaluated: 2022-09-20. Review status: criteria provided, single submitter. Criteria: ACMG Guidelines, 2015. Collection method: clinical testing. Allele origin: germline.

GeneDx
Classification: Likely benign. Last evaluated: 2019-07-08. Review status: criteria provided, single submitter. Criteria: GeneDx Variant Classification Process June 2021. Collection method: clinical testing. Allele origin: germline. Affected: yes.

Illumina Laboratory Services, Illumina
Classification: Uncertain significance for Congenital multicore myopathy with external ophthalmoplegia. Last evaluated: 2018-01-12. Review status: criteria provided, single submitter. Criteria: ICSL Variant Classification Criteria 13 December 2019. Collection method: clinical testing. Allele origin: germline.

Illumina Laboratory Services, Illumina
Classification: Uncertain significance for Malignant hyperthermia, susceptibility to, 1. Last evaluated: 2018-01-12. Review status: criteria provided, single submitter. Criteria: ICSL Variant Classification Criteria 13 December 2019. Collection method: clinical testing. Allele origin: germline.

PreventionGenetics, part of Exact Sciences
Classification: Likely benign. Review status: criteria provided, single submitter. Criteria: ACMG Guidelines, 2015. Collection method: clinical testing. Allele origin: germline.

NM_000540.3(RYR1):c.10938-9C>T

Gene: RYR1 (ryanodine receptor 1; plus strand). Cytogenetic location: 19q13.2.
Variant type: single nucleotide variant.
Coding change: c.10938-9C>T on transcript NM_000540.3 (MANE Select); 9 bases into the intron before coding-DNA position 10938, C replaced by T.
Molecular consequence: intron variant.
Genome position (GRCh38, 1-based): chr19:38,528,590, C>T. VCF-style: chr19-38528590-C-T. GRCh37 (hg19) VCF-style: chr19-39019230-C-T.
Other names: c.10923-9C>T (NM_001042723.2).
Identifiers: ClinVar variation 256397 (VCV000256397.24), dbSNP rs201976186, ClinGen allele CA055430.
Genomic context (GRCh38, chr19:38,528,590, plus strand): 5'-CAGGCGCATGGGAGGTCGGGAAGCACGGAGGAGGGCGCGTCCCAGTGACGTCACACCTCT[C>T]CCCTGCAGGCACCGGGCATGTAACATGTTCCTGGAGAGCTACAAGGCTGCATGGATCCTG-3'